The following is an entry in ClinVar:

NM_015909.4(NBAS):c.2493G>C (p.Arg831Ser)

Gene: NBAS (NBAS subunit of NRZ tethering complex; minus strand). Cytogenetic location: 2p24.3.
Variant type: single nucleotide variant.
Coding change: c.2493G>C on transcript NM_015909.4 (MANE Select); coding-DNA position 2493, G replaced by C.
Protein change: p.Arg831Ser; replaces arginine 831 with serine.
Molecular consequence: missense variant. On other transcripts: non-coding transcript variant (1).
Genome position (GRCh38, 1-based): chr2:15,424,399, C>G on the plus strand (G>C on the coding strand, the complement: NBAS is on the minus strand). VCF-style: chr2-15424399-C-G. GRCh37 (hg19) VCF-style: chr2-15564523-C-G.
Other names: short protein forms R831S.
Identifiers: ClinVar variation 2098347 (VCV002098347.4), dbSNP rs191312298, ClinGen allele CA345889948.

ClinVar aggregate classification (germline): Uncertain significance (1 of 4 stars; one submission).

gnomAD v4.1: 1 of 1,614,000 alleles (0.000062%); highest among the groups gnomAD compares: African/African-American, 0.0013%; no homozygotes.

Submission:

Labcorp Genetics (formerly Invitae), Labcorp
Classification: Uncertain significance. Last evaluated: 2022-02-18. Review status: criteria provided, single submitter. Criteria: Invitae Variant Classification Sherloc (09022015). Collection method: clinical testing. Allele origin: germline.
Comment: This sequence change replaces arginine, which is basic and polar, with serine, which is neutral and polar, at codon 831 of the NBAS protein (p.Arg831Ser). In summary, the available evidence is currently insufficient to determine the role of this variant in disease. Therefore, it has been classified as a Variant of Uncertain Significance. Algorithms developed to predict the effect of missense changes on protein structure and function output the following: SIFT: "Deleterious"; PolyPhen-2: "Benign"; Align-GVGD: "Class C65". The serine amino acid residue is found in multiple mammalian species, which suggests that this missense change does not adversely affect protein function. This variant has not been reported in the literature in individuals affected with NBAS-related conditions. This variant is not present in population databases (gnomAD no frequency).